The following is an entry in ClinVar:

ClinVar aggregate classification (germline): Pathogenic (1 of 4 stars; one submission).

Conditions:
Immunodeficiency 23 (IMD23). Also called: IMMUNODEFICIENCY WITH HYPER IgE AND COGNITIVE IMPAIRMENT; IMMUNODEFICIENCY-VASCULITIS-MYOCLONUS SYNDROME. Identifiers: Orphanet 443811, MedGen C4014371, MONDO:0014353, OMIM 615816.

Allele frequency attached by ClinVar (database versions not stated): ExAC 0.00001; gnomAD 0.00001; gnomAD exomes 0.00001; TOPMed 0.00001.

Submission:

Labcorp Genetics (formerly Invitae), Labcorp
Classification: Pathogenic for Immunodeficiency 23. Last evaluated: 2023-10-06. Review status: criteria provided, single submitter. Criteria: Invitae Variant Classification Sherloc (09022015). Collection method: clinical testing. Allele origin: germline.
Comment: This sequence change creates a premature translational stop signal (p.Arg155Glufs*14) in the PGM3 gene. It is expected to result in an absent or disrupted protein product. Loss-of-function variants in PGM3 are known to be pathogenic (PMID: 17548465, 24589341, 24931394). This variant is present in population databases (rs770298942, gnomAD 0.003%). This variant has not been reported in the literature in individuals affected with PGM3-related conditions. Algorithms developed to predict the effect of sequence changes on RNA splicing suggest that this variant may create or strengthen a splice site. For these reasons, this variant has been classified as Pathogenic.

Literature cited by the submitters: PubMed 17548465; PubMed 24589341; PubMed 24931394.

NM_015599.3(PGM3):c.379del (p.Arg127fs)

Gene: PGM3 (phosphoglucomutase 3; minus strand). Cytogenetic location: 6q14.1.
Variant type: Deletion.
Coding change: c.379del on transcript NM_015599.3 (MANE Select); coding-DNA position 379, one base deleted (A; older notation c.379delA).
Protein change: p.Arg127fs; shifts the reading frame from arginine 127.
Molecular consequence: frameshift variant. On other transcripts: non-coding transcript variant (1).
Genome position (GRCh38, 1-based): chr6:83,188,624, T deleted on the plus strand (A on the coding strand, the reverse complement: PGM3 is on the minus strand). VCF-style (leftmost placement, unchanged base first): chr6-83188623-CT-C. GRCh37 (hg19) VCF-style: chr6-83898342-CT-C.
Other names: c.463del, p.Arg155fs (NM_001199917.2, NM_001367287.1); c.136del, p.Arg46fs (NM_001199918.2); c.379del, p.Arg127fs (NM_001199919.2, NM_001367286.1); short protein forms R155fs, R127fs, R46fs.
Identifiers: ClinVar variation 2907867 (VCV002907867.3), dbSNP rs770298942, ClinGen allele CA3906832.